The following is an entry in ClinVar:

ClinVar aggregate classification (germline): Uncertain significance. Review status: criteria provided, multiple submitters, no conflicts (2 of 4 stars). 4 submissions from 4 submitters: Uncertain significance (4). Last evaluated 2023-11-09.

Conditions:
Inborn genetic diseases. Identifiers: MedGen C0950123, MeSH D030342.

Allele frequency attached by ClinVar (database versions not stated): TOPMed below 0.00001; gnomAD exomes 0.00001 and 0.00002.
gnomAD v4.1: 26 of 1,613,814 alleles (0.0016%); highest among the groups gnomAD compares: Non-Finnish European, 0.0021%; no homozygotes.

Submissions (4):

GeneDx
Classification: Uncertain significance. Last evaluated: 2023-11-09. Review status: criteria provided, single submitter. Criteria: GeneDx Variant Classification Process June 2021. Collection method: clinical testing. Allele origin: germline. Affected: yes.
Comment: Not observed at significant frequency in large population cohorts (gnomAD); In silico analysis supports that this missense variant has a deleterious effect on protein structure/function; Has not been previously published as pathogenic or benign to our knowledge

Ambry Genetics
Classification: Uncertain significance for Inborn genetic diseases. Last evaluated: 2023-02-14. Review status: criteria provided, single submitter. Criteria: Ambry Variant Classification Scheme 2023. Collection method: clinical testing. Allele origin: germline.

Labcorp Genetics (formerly Invitae), Labcorp
Classification: Uncertain significance. Last evaluated: 2022-06-03. Review status: criteria provided, single submitter. Criteria: Invitae Variant Classification Sherloc (09022015). Collection method: clinical testing. Allele origin: germline.
Comment: This sequence change replaces proline, which is neutral and non-polar, with serine, which is neutral and polar, at codon 654 of the LTBP4 protein (p.Pro654Ser). This variant is present in population databases (no rsID available, gnomAD 0.003%). This variant has not been reported in the literature in individuals affected with LTBP4-related conditions. Experimental studies and prediction algorithms are not available or were not evaluated, and the functional significance of this variant is currently unknown. In summary, the available evidence is currently insufficient to determine the role of this variant in disease. Therefore, it has been classified as a Variant of Uncertain Significance.

Women's Health and Genetics/Laboratory Corporation of America, LabCorp
Classification: Uncertain significance. Last evaluated: 2022-05-03. Review status: criteria provided, single submitter. Criteria: LabCorp Variant Classification Summary - May 2015. Collection method: clinical testing. Allele origin: germline.

NM_001042545.2(LTBP4):c.1870C>T (p.Pro624Ser)

Gene: LTBP4 (latent transforming growth factor beta binding protein 4; plus strand). Cytogenetic location: 19q13.2.
Variant type: single nucleotide variant.
Coding change: c.1870C>T on transcript NM_001042545.2 (MANE Select); coding-DNA position 1870, C replaced by T.
Protein change: p.Pro624Ser; replaces proline 624 with serine.
Molecular consequence: missense variant.
Genome position (GRCh38, 1-based): chr19:40,611,211, C>T. VCF-style: chr19-40611211-C-T. GRCh37 (hg19) VCF-style: chr19-41117117-C-T.
Other names: c.2071C>T, p.Pro691Ser (NM_001042544.1); c.1960C>T, p.Pro654Ser (NM_003573.2); short protein forms P624S, P654S, P691S.
Identifiers: ClinVar variation 1696226 (VCV001696226.6), dbSNP rs903754296, ClinGen allele CA308451545.